The following is an entry in ClinVar:

ClinVar aggregate classification (germline): Pathogenic (1 of 4 stars; one submission).

Conditions:
Ehlers-Danlos syndrome, dermatosparaxis type. Also called: EDS VIIC; Dermatosparaxis; Ehlers-Danlos syndrome, type VII, autosomal recessive. Identifiers: Orphanet 1901, MedGen C2700425, MONDO:0009161, OMIM 225410.

Submission:

Myriad Genetics, Inc.
Classification: Pathogenic for Ehlers-Danlos syndrome, dermatosparaxis type. Last evaluated: 2024-05-14. Review status: criteria provided, single submitter. Criteria: Myriad Autosomal Dominant, Autosomal Recessive and X-Linked Classification Criteria (2023). Collection method: clinical testing. Allele origin: unknown.
Comment: NM_014244.4(ADAMTS2):c.71_72insAG(P25Gfs*141) is expected to be pathogenic in the context of Ehlers-Danlos syndrome, ADAMTS2-related. This variant is predicted to lead to an abnormal or absent protein product due to the creation of a premature termination codon in ADAMTS2, a gene where loss-of-function variants are known to be pathogenic. Please note: this variant was assessed in the context of healthy population screening.

NM_014244.5(ADAMTS2):c.71_72insAG (p.Pro25fs)

Gene: ADAMTS2 (ADAM metallopeptidase with thrombospondin type 1 motif 2; minus strand). Cytogenetic location: 5q35.3.
Variant type: Insertion.
Coding change: c.71_72insAG on transcript NM_014244.5 (MANE Select); coding-DNA positions 71 to 72, AG inserted.
Protein change: p.Pro25fs; shifts the reading frame from proline 25.
Molecular consequence: frameshift variant.
Genome position: GRCh38 VCF-style: chr5-179345257-C-CCT. GRCh37 (hg19) VCF-style: chr5-178772258-C-CCT.
Other names: c.71_72insAG, p.Pro25fs (NM_021599.4); short protein forms P25fs.
Identifiers: ClinVar variation 5010639 (VCV005010639.1).
Genomic context (GRCh38, chr5:179,345,257, plus strand): 5'-GTCGGCGGCGGCGGCGAGCCTGGCGTTCGCGGGCGGCGGCGGCGGCGGCAGGAGCGGCGG[C>CCT]GGCAGCAGCAGCAGCAGCAGCAGCAGCGCGGGGCAGAGCAGGCGGCGAGCGGCTCCCGCC-3'